The following is an entry in ClinVar:

NM_007294.4(BRCA1):c.3302G>A (p.Ser1101Asn)

Genes: BRCA1 (BRCA1 DNA repair associated; minus strand), LOC126862571 (BRD4-independent group 4 enhancer GRCh37_chr17:41243136-41244335; plus strand). Cytogenetic location: 17q21.31.
Variant type: single nucleotide variant.
Coding change: c.3302G>A on transcript NM_007294.4 (MANE Select); coding-DNA position 3302, G replaced by A.
Protein change: p.Ser1101Asn; replaces serine 1101 with asparagine.
Molecular consequence: missense variant. On other transcripts: intron variant (137).
Genome position (GRCh38, 1-based): chr17:43,092,229, C>T on the plus strand (G>A on the coding strand, the complement: BRCA1 is on the minus strand). VCF-style: chr17-43092229-C-T. GRCh37 (hg19) VCF-style: chr17-41244246-C-T.
Other names: p.S1101N:AGT>AAT; 3421G>A; c.3302G>A (NM_007300.3); c.3089G>A, p.Ser1030Asn (NM_001407915.1, NM_001407916.1, NM_001407917.1 and 9 more transcripts); c.3179G>A, p.Ser1060Asn (NM_001407919.1, NM_001407937.1, NM_001407938.1 and 19 more transcripts); c.3038G>A, p.Ser1013Asn (NM_001407920.1, NM_001407921.1, NM_001407922.1 and 9 more transcripts); c.3035G>A, p.Ser1012Asn (NM_001407930.1, NM_001407931.1, NM_001407932.1 and 2 more transcripts); c.3176G>A, p.Ser1059Asn (NM_001407940.1, NM_001407941.1, NM_001407649.1 and 11 more transcripts); and 44 more; short protein forms S1101N, S1054N, S1013N, S1030N, S1034N, S1060N, S1100N, S973N.
Identifiers: ClinVar variation 54830 (VCV000054830.69), dbSNP rs41293447, ClinGen allele CA002132.

ClinVar aggregate classification (germline): Benign. Review status: reviewed by expert panel (3 of 4 stars). 26 submissions from 26 submitters: Benign (1). 25 of the submissions do not count toward it. Last evaluated 2015-08-10.

Conditions:
Hereditary cancer-predisposing syndrome. Also called: Hereditary Cancer Syndrome; Tumor predisposition; Neoplastic Syndromes, Hereditary; Hereditary neoplastic syndrome. Identifiers: Orphanet 140162, MedGen C0027672, MeSH D009386, MONDO:0015356.
Hereditary breast ovarian cancer syndrome. Also called: Breast and ovarian cancer; BRCA1- and BRCA2-Associated Hereditary Breast and Ovarian Cancer; Hereditary breast and ovarian cancer; Hereditary breast and ovarian cancer syndrome (HBOC); Hereditary breast and ovarian cancer syndrome; Hereditary breast and/or ovarian cancer syndrome. Identifiers: Orphanet 145, MedGen C0677776, MeSH D061325, MONDO:0003582. Disease mechanism: loss of function.
Breast-ovarian cancer, familial, susceptibility to, 1 (BROVCA1). Also called: BRCA1 Hereditary Breast and Ovarian Cancer; OVARIAN CANCER, SUSCEPTIBILITY TO. Identifiers: Orphanet 145, MedGen C2676676, MONDO:0011450, OMIM 604370. Disease mechanism: loss of function.

Allele frequency attached by ClinVar (database versions not stated): ExAC 0.00016; gnomAD exomes 0.00021 and 0.00012; gnomAD 0.00064 and 0.00014; TOPMed 0.00076; ESP Exome Variant Server 0.00015.
gnomAD v4.1: 407 of 1,613,344 alleles (0.025%); highest among the groups gnomAD compares: Middle Eastern, 0.049%; 1 homozygote.

Submissions 1 to 22 of 26:

Evidence-based Network for the Interpretation of Germline Mutant Alleles (ENIGMA)
Classification: Benign for Breast-ovarian cancer, familial 1. Last evaluated: 2015-08-10. Review status: reviewed by expert panel. Criteria: ENIGMA BRCA1/2 Classification Criteria (2015). Collection method: curation. Allele origin: germline.
Comment: IARC class based on posterior probability from multifactorial likelihood analysis, thresholds for class as per Plon et al. 2008 (PMID: 18951446). Class 1 based on posterior probability = 0.00000000632

Dasa
Classification: Likely benign for Breast-ovarian cancer, familial, susceptibility to, 1. Last evaluated: 2026-03-17. Review status: criteria provided, single submitter. Criteria: DASA Assertion Criteria. Collection method: clinical testing. Allele origin: germline. Not counted in ClinVar's aggregate classification.
Comment: NM_007294.4(BRCA1):c.3302G>A (p.Ser1101Asn) is interpreted based on available population and clinical evidence, including population frequency and no convincing observation in affected individuals. Based on the available data, this variant is classified as likely benign.

Labcorp Genetics (formerly Invitae), Labcorp
Classification: Benign for Hereditary breast ovarian cancer syndrome. Last evaluated: 2026-01-28. Review status: criteria provided, single submitter. Criteria: Invitae Variant Classification Sherloc (09022015). Collection method: clinical testing. Allele origin: germline. Not counted in ClinVar's aggregate classification.

CeGaT Center for Human Genetics Tuebingen
Classification: Benign. Last evaluated: 2025-06-01. Review status: criteria provided, single submitter. Criteria: CeGaT Center For Human Genetics Tuebingen Variant Classification Criteria Version 2. Collection method: clinical testing. Allele origin: germline. Affected: yes. Observed: 2 variant alleles. Not counted in ClinVar's aggregate classification.
Comment: BRCA1: BP1, BP4, BS3:Moderate, BS1

Center for Genomic Medicine, Rigshospitalet, Copenhagen University Hospital
Classification: Benign. Last evaluated: 2025-03-04. Review status: criteria provided, single submitter. Criteria: ACMG Guidelines, 2015. Collection method: clinical testing. Allele origin: germline. Not counted in ClinVar's aggregate classification.

Blueprint Genetics
Classification: Likely benign. Last evaluated: 2024-11-07. Review status: criteria provided, single submitter. Criteria: ACMG Guidelines, 2015. Collection method: clinical testing. Allele origin: germline. Not counted in ClinVar's aggregate classification.

KCCC/NGS Laboratory, Kuwait Cancer Control Center
Classification: Benign for Breast-ovarian cancer, familial, susceptibility to, 1. Last evaluated: 2023-07-07. Review status: criteria provided, single submitter. Criteria: ACMG Guidelines, 2015. Collection method: clinical testing. Allele origin: germline. Affected: yes. Not counted in ClinVar's aggregate classification.

Mayo Clinic Laboratories, Mayo Clinic
Classification: Likely benign. Last evaluated: 2023-03-29. Review status: criteria provided, single submitter. Criteria: ACMG Guidelines, 2015. Collection method: clinical testing. Allele origin: germline. Observed: 4 variant alleles. Not counted in ClinVar's aggregate classification.
Comment: BS3_supporting, BP6

Sema4
Classification: Benign for Hereditary cancer-predisposing syndrome. Last evaluated: 2021-12-23. Review status: criteria provided, single submitter. Criteria: Sema4 Curation Guidelines. Collection method: curation. Allele origin: germline. Not counted in ClinVar's aggregate classification.

Mendelics
Classification: Likely benign for Breast-ovarian cancer, familial, susceptibility to, 1. Last evaluated: 2019-05-28. Review status: criteria provided, single submitter. Criteria: Mendelics Assertion Criteria 2017. Collection method: clinical testing. Allele origin: unknown. Not counted in ClinVar's aggregate classification.

Institute for Biomarker Research, Medical Diagnostic Laboratories, L.L.C.
Classification: Likely benign for Hereditary cancer-predisposing syndrome. Last evaluated: 2018-05-23. Review status: criteria provided, single submitter. Criteria: ACMG Guidelines, 2015. Collection method: clinical testing. Allele origin: germline. Not counted in ClinVar's aggregate classification.

PreventionGenetics, part of Exact Sciences
Classification: Likely benign. Last evaluated: 2017-07-06. Review status: criteria provided, single submitter. Criteria: ACMG Guidelines, 2015. Collection method: clinical testing. Allele origin: germline. Not counted in ClinVar's aggregate classification.

Illumina Laboratory Services, Illumina
Classification: Uncertain significance for Breast-ovarian cancer, familial, susceptibility to, 1. Last evaluated: 2017-04-27. Review status: criteria provided, single submitter. Criteria: ICSL Variant Classification Criteria 13 December 2019. Collection method: clinical testing. Allele origin: germline. Not counted in ClinVar's aggregate classification.
Comment: This variant was observed as part of a predisposition screen in an ostensibly healthy population. A literature search was performed for the gene, cDNA change, and amino acid change (where applicable). Publications were found based on this search. However, the evidence from the literature, in combination with allele frequency data from public databases where available, was not sufficient to rule this variant in or out of causing disease. Therefore, this variant is classified as a variant of unknown significance.

CHEO Genetics Diagnostic Laboratory, Children's Hospital of Eastern Ontario
Classification: Likely benign. Last evaluated: 2017-01-18. Review status: criteria provided, single submitter. Criteria: ACMG Guidelines, 2015. Collection method: clinical testing. Allele origin: germline. Study: The Canadian Open Genetics Repository (COGR). Not counted in ClinVar's aggregate classification.

GeneDx
Classification: Benign. Last evaluated: 2016-07-21. Review status: criteria provided, single submitter. Criteria: GeneDx Variant Classification (06012015). Collection method: clinical testing. Allele origin: germline. Affected: yes. Not counted in ClinVar's aggregate classification.
Comment: This variant is considered likely benign or benign based on one or more of the following criteria: it is a conservative change, it occurs at a poorly conserved position in the protein, it is predicted to be benign by multiple in silico algorithms, and/or has population frequency not consistent with disease.

Vantari Genetics
Classification: Likely benign for Hereditary cancer-predisposing syndrome. Last evaluated: 2015-12-17. Review status: criteria provided, single submitter. Criteria: ACMG Guidelines, 2015. Collection method: clinical testing. Allele origin: germline. Not counted in ClinVar's aggregate classification.

Color Diagnostics, LLC DBA Color Health
Classification: Benign for Hereditary cancer-predisposing syndrome. Last evaluated: 2014-12-16. Review status: criteria provided, single submitter. Criteria: ACMG Guidelines, 2015. Collection method: clinical testing. Allele origin: germline. Not counted in ClinVar's aggregate classification.

Ambry Genetics
Classification: Benign for Hereditary cancer-predisposing syndrome. Last evaluated: 2014-11-18. Review status: criteria provided, single submitter. Criteria: Ambry Variant Classification Scheme 2023. Collection method: clinical testing. Allele origin: germline. Not counted in ClinVar's aggregate classification.

Counsyl
Classification: Likely benign for Breast-ovarian cancer, familial 1. Last evaluated: 2014-05-20. Review status: no assertion criteria provided. Collection method: literature only. Allele origin: unknown. Inheritance: Autosomal dominant inheritance. Not counted in ClinVar's aggregate classification.

Sharing Clinical Reports Project (SCRP)
Classification: Likely benign for Breast-ovarian cancer, familial 1. Last evaluated: 2008-11-26. Review status: no assertion criteria provided. Collection method: clinical testing. Allele origin: germline. Not counted in ClinVar's aggregate classification.

Breast Cancer Information Core (BIC) (BRCA1)
Classification: Uncertain significance for Breast-ovarian cancer, familial 1. Last evaluated: 2002-05-29. Review status: no assertion criteria provided. Collection method: clinical testing. Allele origin: germline. Affected: yes. Observed: 14 variant alleles. Not counted in ClinVar's aggregate classification.

Clinical Genetics Laboratory, Department of Pathology, Netherlands Cancer Institute
Classification: Benign. Review status: no assertion criteria provided. Collection method: clinical testing. Allele origin: germline. Affected: yes. Study: VKGL Data-share Consensus. Not counted in ClinVar's aggregate classification.